The following is an entry in ClinVar:

NM_024426.6(WT1):c.591G>A (p.Gln197=)

Genes: WT1 (WT1 transcription factor; minus strand), LOC107982234 (WT1/WT1-AS bi-directional promoter region; plus strand). Cytogenetic location: 11p13.
Variant type: single nucleotide variant.
Coding change: c.591G>A on transcript NM_024426.6 (MANE Select); coding-DNA position 591, G replaced by A.
Protein change: p.Gln197=; no amino-acid change (glutamine 197 retained).
Molecular consequence: synonymous variant. On other transcripts: non-coding transcript variant (2).
Genome position (GRCh38, 1-based): chr11:32,434,770, C>T on the plus strand (G>A on the coding strand, the complement: WT1 is on the minus strand). VCF-style: chr11-32434770-C-T. GRCh37 (hg19) VCF-style: chr11-32456316-C-T.
Other names: c.576G>A (NM_024426.4); c.591G>A, p.Gln197= (NM_000378.6, NM_001407044.1, NM_001407045.1 and 6 more transcripts); c.372G>A, p.Gln124= (NM_001429031.1, NM_001429032.1, NM_001429033.1 and 1 more transcripts).
Identifiers: ClinVar variation 3386203 (VCV003386203.2).

ClinVar aggregate classification (germline): Likely benign. Review status: criteria provided, multiple submitters, no conflicts (2 of 4 stars). 2 submissions from 2 submitters: Likely benign (2). Last evaluated 2025-08-20.

Conditions:
Wilms tumor 1 (WT1). Also called: Wilms tumor, somatic. Identifiers: Orphanet 654, MedGen CN033288, MONDO:0008679, OMIM 194070.
Inborn genetic diseases. Identifiers: MedGen C0950123, MeSH D030342.

gnomAD v4.1: 1 of 1,612,664 alleles (0.000062%); highest among the groups gnomAD compares: Non-Finnish European, 0.000085%; no homozygotes.

Submissions (2):

Ambry Genetics
Classification: Likely benign for Inborn genetic diseases. Last evaluated: 2025-08-20. Review status: criteria provided, single submitter. Criteria: Ambry Variant Classification Scheme 2023. Collection method: clinical testing. Allele origin: germline.

All of Us Research Program, National Institutes of Health
Classification: Likely benign for Wilms tumor 1. Last evaluated: 2024-02-22. Review status: criteria provided, single submitter. Criteria: ACMG Guidelines, 2015. Collection method: clinical testing. Allele origin: germline. Inheritance: Autosomal dominant inheritance. Observed: 1 variant allele, 1 heterozygote.
Comment: This study involves interpretation of variants in research participants for the purpose of population health screening. Participant phenotype was not available at the time of variant classification. Additional details can be found in publication PMID: 35346344, PMCID: PMC8962531